The following is an entry in ClinVar:

NM_006662.3(SRCAP):c.2776G>T (p.Ala926Ser)

Gene: SRCAP (Snf2 related CREBBP activator protein; plus strand). Cytogenetic location: 16p11.2.
Variant type: single nucleotide variant.
Coding change: c.2776G>T on transcript NM_006662.3 (MANE Select); coding-DNA position 2776, G replaced by T.
Protein change: p.Ala926Ser; replaces alanine 926 with serine.
Molecular consequence: missense variant.
Genome position (GRCh38, 1-based): chr16:30,716,438, G>T. VCF-style: chr16-30716438-G-T. GRCh37 (hg19) VCF-style: chr16-30727759-G-T.
Other names: short protein forms A926S.
Identifiers: ClinVar variation 2069226 (VCV002069226.5), dbSNP rs369964961, ClinGen allele CA8011303.

ClinVar aggregate classification (germline): Uncertain significance. Review status: criteria provided, multiple submitters, no conflicts (2 of 4 stars). 2 submissions from 2 submitters: Uncertain significance (2). Last evaluated 2024-01-30.

Conditions:
Developmental delay, hypotonia, musculoskeletal defects, and behavioral abnormalities. Identifiers: MedGen C5562012, MONDO:0859202, OMIM 619595.
Floating-Harbor syndrome (FLHS). Also called: Short stature with delayed bone age, expressive language delay, a triangular face with a prominent nose and deep-set eyes; Pelletier-Leisti syndrome; SRCAP-Related Floating-Harbor Syndrome. Identifiers: Orphanet 2044, MedGen C0729582, MONDO:0007621, OMIM 136140.

Allele frequency attached by ClinVar (database versions not stated): ExAC 0.00001; gnomAD 0.00003; ESP Exome Variant Server 0.00008.
gnomAD v4.1: 15 of 1,614,012 alleles (0.00093%); highest among the groups gnomAD compares: African/African-American, 0.0013%; no homozygotes.

Submissions (2):

Fulgent Genetics
Classification: Uncertain significance for Floating-Harbor syndrome; Developmental delay, hypotonia, musculoskeletal defects, and behavioral abnormalities. Last evaluated: 2024-01-30. Review status: criteria provided, single submitter. Criteria: ACMG Guidelines, 2015. Collection method: clinical testing. Allele origin: germline.

Labcorp Genetics (formerly Invitae), Labcorp
Classification: Uncertain significance. Last evaluated: 2023-07-30. Review status: criteria provided, single submitter. Criteria: Invitae Variant Classification Sherloc (09022015). Collection method: clinical testing. Allele origin: germline.
Comment: In summary, the available evidence is currently insufficient to determine the role of this variant in disease. Therefore, it has been classified as a Variant of Uncertain Significance. Advanced modeling of protein sequence and biophysical properties (such as structural, functional, and spatial information, amino acid conservation, physicochemical variation, residue mobility, and thermodynamic stability) has been performed at Invitae for this missense variant, however the output from this modeling did not meet the statistical confidence thresholds required to predict the impact of this variant on SRCAP protein function. ClinVar contains an entry for this variant (Variation ID: 2069226). This variant has not been reported in the literature in individuals affected with SRCAP-related conditions. This variant is present in population databases (rs369964961, gnomAD 0.007%). This sequence change replaces alanine, which is neutral and non-polar, with serine, which is neutral and polar, at codon 926 of the SRCAP protein (p.Ala926Ser).